The following is an entry in ClinVar:

ClinVar aggregate classification (germline): Uncertain significance (1 of 4 stars; one submission).

Conditions:
Zimmermann-Laband syndrome 3. Identifiers: MedGen C5231447, MONDO:0032854, OMIM 618658.

Submission:

Laboratorio de Genetica e Diagnostico Molecular, Hospital Israelita Albert Einstein
Classification: Uncertain significance for Zimmermann-Laband syndrome 3. Last evaluated: 2023-01-20. Review status: criteria provided, single submitter. Criteria: ACMG Guidelines, 2015. Collection method: clinical testing. Allele origin: germline. Affected: yes. Observed: 1 variant allele.
Comment: ACMG classification criteria: PM2 moderated, BP4 supporting

NM_002249.6(KCNN3):c.682C>T (p.His228Tyr)

Gene: KCNN3 (potassium calcium-activated channel subfamily N member 3; minus strand). Cytogenetic location: 1q21.3.
Variant type: single nucleotide variant.
Coding change: c.682C>T on transcript NM_002249.6 (MANE Select); coding-DNA position 682, C replaced by T.
Protein change: p.His228Tyr; replaces histidine 228 with tyrosine.
Molecular consequence: missense variant.
Genome position (GRCh38, 1-based): chr1:154,869,283, G>A on the plus strand (C>T on the coding strand, the complement: KCNN3 is on the minus strand). VCF-style: chr1-154869283-G-A. GRCh37 (hg19) VCF-style: chr1-154841759-G-A.
Other names: c.682C>T, p.His228Tyr (NM_001204087.2); short protein forms H228Y.
Identifiers: ClinVar variation 2431680 (VCV002431680.1), dbSNP rs776341018, ClinGen allele CA342632547.
Genomic context (GRCh38, chr1:154,869,283, plus strand): 5'-TGCCGGCATGCTGGTGGTTGTGGGTGGCATTAGGGTGATGGAGCAGGGTCTGGTGGGCAT[G>A]GTTGTCCTCCCGGGAGGAGATGACGATCTCCGGGGGGTTGCTAGGGCTGAAAAGCTGGAG-3'
Protein context (NP_002240.3, residues 218-238): EIVISSREDN[His228Tyr]AHQTLLHHPN